The following is an entry in ClinVar:

ClinVar aggregate classification (germline): Uncertain significance (1 of 4 stars; one submission).

Conditions:
Stickler syndrome type 2 (STL2). Also called: STICKLER SYNDROME, TYPE II; STICKLER SYNDROME, BEADED VITREOUS TYPE; STICKLER SYNDROME, VITREOUS TYPE 2; COL11A1-Related Stickler Syndrome. Identifiers: Orphanet 828, Orphanet 90654, MedGen C1858084, MONDO:0011493, OMIM 604841.

Submission:

Laboratory of Medical Genetics, National & Kapodistrian University of Athens
Classification: Uncertain significance for Stickler syndrome type 2. Last evaluated: 2018-05-20. Review status: criteria provided, single submitter. Criteria: ACMG Guidelines, 2015. Collection method: clinical testing. Allele origin: de novo. Affected: yes.
Comment: PM2, PP3

NM_001854.4(COL11A1):c.3427A>C (p.Lys1143Gln)

Gene: COL11A1 (collagen type XI alpha 1 chain; minus strand). Cytogenetic location: 1p21.1.
Variant type: single nucleotide variant.
Coding change: c.3427A>C on transcript NM_001854.4 (MANE Select); coding-DNA position 3427, A replaced by C.
Protein change: p.Lys1143Gln; replaces lysine 1143 with glutamine.
Molecular consequence: missense variant. On other transcripts: non-coding transcript variant (1).
Genome position (GRCh38, 1-based): chr1:102,939,046, T>G on the plus strand (A>C on the coding strand, the complement: COL11A1 is on the minus strand). VCF-style: chr1-102939046-T-G. GRCh37 (hg19) VCF-style: chr1-103404602-T-G.
Other names: c.3310A>C, p.Lys1104Gln (NM_001190709.2); c.3463A>C, p.Lys1155Gln (NM_080629.3); c.3079A>C, p.Lys1027Gln (NM_080630.4); short protein forms K1143Q, K1155Q, K1027Q, K1104Q.
Identifiers: ClinVar variation 637032 (VCV000637032.1), dbSNP rs1182148061, ClinGen allele CA341169126.